The following is an entry in ClinVar:

NM_002878.4(RAD51D):c.83-9del

Genes: RAD51D (RAD51 paralog D; minus strand), RAD51L3-RFFL (RAD51L3-RFFL readthrough; minus strand). Cytogenetic location: 17q12.
Variant type: Deletion.
Coding change: c.83-9del on transcript NM_002878.4 (MANE Select); 9 bases into the intron before coding-DNA position 83, one base deleted (T; older notation c.83-9delT).
Molecular consequence: intron variant.
Genome position (GRCh38, 1-based): chr17:35,119,181, A deleted on the plus strand (T on the coding strand, the reverse complement: RAD51D is on the minus strand); the first of 4 consecutive A bases (chr17:35,119,181-35,119,184); deleting any one gives the same sequence. VCF-style (leftmost placement, unchanged base first): chr17-35119180-CA-C. GRCh37 (hg19) VCF-style: chr17-33446199-CA-C.
Other names: c.83-9del (NM_133629.3, NM_001142571.2).
Identifiers: ClinVar variation 3904497 (VCV003904497.1).
Genomic context (GRCh38, chr17:35,119,180, plus strand): 5'-CAAGCCACATTTCTGAGCTACCTCTTCCAGGTCTGCAGAAACCAGGTCCACCACTGAAAA[CA>C]AAACACGTATAGCGGATTGGCAGAGAGGACTGGGGCCTCCCACACTTGGTTTTTCCTCAT-3'

ClinVar aggregate classification (germline): Likely benign (1 of 4 stars; one submission).

Conditions:
Breast-ovarian cancer, familial, susceptibility to, 4. Identifiers: Orphanet 145, MedGen C3280345, MONDO:0013669, OMIM 614291.

Submission:

Myriad Genetics, Inc.
Classification: Likely benign for Breast-ovarian cancer, familial, susceptibility to, 4. Last evaluated: 2025-02-20. Review status: criteria provided, single submitter. Criteria: Myriad Autosomal Dominant, Autosomal Recessive and X-Linked Classification Criteria (2023). Collection method: clinical testing. Allele origin: unknown.
Comment: This variant is considered likely benign. This variant is intronic and is not expected to impact mRNA splicing.